The following is an entry in ClinVar:

ClinVar aggregate classification (germline): Likely pathogenic (1 of 4 stars; one submission).

Conditions:
Hereditary breast ovarian cancer syndrome. Also called: Hereditary breast and ovarian cancer syndrome; Hereditary breast and/or ovarian cancer syndrome; Hereditary breast and ovarian cancer syndrome (HBOC); Breast and ovarian cancer; BRCA1- and BRCA2-Associated Hereditary Breast and Ovarian Cancer; Hereditary breast and ovarian cancer. Identifiers: Orphanet 145, MedGen C0677776, MeSH D061325, MONDO:0003582. Disease mechanism: loss of function.

Submission:

Labcorp Genetics (formerly Invitae), Labcorp
Classification: Likely pathogenic for Hereditary breast ovarian cancer syndrome. Last evaluated: 2021-08-12. Review status: criteria provided, single submitter. Criteria: Invitae Variant Classification Sherloc (09022015). Collection method: clinical testing. Allele origin: germline.
Comment: This variant results in a copy number gain of the genomic region encompassing exon(s) 4-12 of the BRCA1 gene. While the exact position of this variant cannot be determined from the data, sub-genic copy number gains are generally in tandem (PMID: 25640679). This variant is predicted to be out-of-frame, and may result in an absent or disrupted protein product. Loss-of-function variants in BRCA1 are known to be pathogenic (PMID: 20104584). A similar copy number variant has been observed in individual(s) with breast and/or ovarian cancer (PMID: 10827109, 22544547, 24825132, 26271414). This variant is also known as exon 13. In summary, the currently available evidence indicates that the variant is pathogenic, but additional data are needed to prove that conclusively. Therefore, this variant has been classified as Likely Pathogenic.

Literature cited by the submitters: PubMed 25640679; PubMed 20104584; PubMed 10827109; PubMed 22544547; PubMed 24825132; PubMed 26271414.

NC_000017.10:g.(?_41234401)_(41258570_?)dup

Genes: BRCA1 (BRCA1 DNA repair associated; minus strand), LOC126862571 (BRD4-independent group 4 enhancer GRCh37_chr17:41243136-41244335; plus strand). Cytogenetic location: 17q21.31.
Variant type: Duplication.
Identifiers: ClinVar variation 583731 (VCV000583731.3).